The following is an entry in ClinVar:

NM_021098.3(CACNA1H):c.2553C>T (p.Gly851=)

Gene: CACNA1H (calcium voltage-gated channel subunit alpha1 H; plus strand). Cytogenetic location: 16p13.3.
Variant type: single nucleotide variant.
Coding change: c.2553C>T on transcript NM_021098.3 (MANE Select); coding-DNA position 2553, C replaced by T.
Protein change: p.Gly851=; no amino-acid change (glycine 851 retained).
Molecular consequence: synonymous variant.
Genome position (GRCh38, 1-based): chr16:1,205,215, C>T. VCF-style: chr16-1205215-C-T. GRCh37 (hg19) VCF-style: chr16-1255215-C-T.
Other names: c.2553C>T, p.Gly851= (NM_001005407.2); c.2553C>T (NM_021098.2).
Identifiers: ClinVar variation 1101337 (VCV001101337.13), dbSNP rs377029056, ClinGen allele CA7800332.
Genomic context (GRCh38, chr16:1,205,215, plus strand): 5'-GTTCACCAGCATGTTTGCCCTGGAGATGCTGCTGAAGCTGCTGGCCTGCGGCCCTCTGGG[C>T]TACATCCGGAACCCGTACAACATCTTCGACGGCATCATCGTGGTCATCAGGTGGGTCCCC-3'
Protein context (NP_066921.2, residues 841-861): LLKLLACGPL[Gly851=]YIRNPYNIFD

ClinVar aggregate classification (germline): Likely benign. Review status: criteria provided, multiple submitters, no conflicts (2 of 4 stars). 4 submissions from 4 submitters: Likely benign (3). 1 of the submissions does not count toward it. Last evaluated 2025-06-12.

Conditions:
Epilepsy, childhood absence, susceptibility to, 6. Identifiers: Orphanet 64280, MedGen C2749872, MONDO:0012763, OMIM 611942.
Hyperaldosteronism, familial, type IV (HALD4). Also called: FH IV; ALDOSTERONISM, PRIMARY, AND HYPERTENSION. Identifiers: Orphanet 642671, MedGen C4310756, MONDO:0014875, OMIM 617027.
CACNA1H-related disorder.
Idiopathic generalized epilepsy. Also called: Generalised epilepsy; EIG. Identifiers: MedGen C0270850, MONDO:0005579, OMIM 600669.

Allele frequency attached by ClinVar (database versions not stated): ESP Exome Variant Server 0.00008.
gnomAD v4.1: 22 of 1,612,866 alleles (0.0014%); highest among the groups gnomAD compares: African/African-American, 0.02%; no homozygotes.

Submissions (4):

Labcorp Genetics (formerly Invitae), Labcorp
Classification: Likely benign for Idiopathic generalized epilepsy; Hyperaldosteronism, familial, type IV. Last evaluated: 2025-06-12. Review status: criteria provided, single submitter. Criteria: Invitae Variant Classification Sherloc (09022015). Collection method: clinical testing. Allele origin: germline.

Fulgent Genetics
Classification: Likely benign for Epilepsy, childhood absence, susceptibility to, 6; Hyperaldosteronism, familial, type IV. Last evaluated: 2021-07-27. Review status: criteria provided, single submitter. Criteria: ACMG Guidelines, 2015. Collection method: clinical testing. Allele origin: unknown.

Blueprint Genetics
Classification: Likely benign. Last evaluated: 2020-08-10. Review status: criteria provided, single submitter. Criteria: ACMG Guidelines, 2015. Collection method: clinical testing. Allele origin: germline.

PreventionGenetics, part of Exact Sciences
Classification: Likely benign for CACNA1H-related condition. Last evaluated: 2023-08-07. Review status: no assertion criteria provided. Collection method: clinical testing. Allele origin: germline. Not counted in ClinVar's aggregate classification.
Comment: This variant is classified as likely benign based on ACMG/AMP sequence variant interpretation guidelines (Richards et al. 2015 PMID: 25741868, with internal and published modifications).